The following is an entry in ClinVar:

ClinVar aggregate classification (germline): Uncertain significance. Review status: criteria provided, multiple submitters, no conflicts (2 of 4 stars). 2 submissions from 2 submitters: Uncertain significance (2). Last evaluated 2025-06-12.

Conditions:
Hereditary cancer-predisposing syndrome. Also called: Neoplastic Syndromes, Hereditary; Tumor predisposition; Hereditary neoplastic syndrome; Hereditary Cancer Syndrome. Identifiers: Orphanet 140162, MedGen C0027672, MeSH D009386, MONDO:0015356.
Familial adenomatous polyposis 1 (FAP1). Also called: POLYPOSIS, ADENOMATOUS INTESTINAL; FAMILIAL ADENOMATOUS POLYPOSIS 1, ATTENUATED. Identifiers: MedGen C2713442, MONDO:0021056, OMIM 175100. Disease mechanism: loss of function.

Allele frequency attached by ClinVar (database versions not stated): gnomAD exomes below 0.00001; TOPMed below 0.00001; gnomAD 0.00001.
gnomAD v4.1: 3 of 1,613,476 alleles (0.00019%); highest among the groups gnomAD compares: Non-Finnish European, 0.00025%; no homozygotes.

Submissions (2):

Labcorp Genetics (formerly Invitae), Labcorp
Classification: Uncertain significance for Familial adenomatous polyposis 1. Last evaluated: 2025-06-12. Review status: criteria provided, single submitter. Criteria: Invitae Variant Classification Sherloc (09022015). Collection method: clinical testing. Allele origin: germline.
Comment: This sequence change replaces arginine, which is basic and polar, with glycine, which is neutral and non-polar, at codon 2126 of the APC protein (p.Arg2126Gly). This variant is not present in population databases (gnomAD no frequency). This variant has not been reported in the literature in individuals affected with APC-related conditions. ClinVar contains an entry for this variant (Variation ID: 826362). Invitae Evidence Modeling of protein sequence and biophysical properties (such as structural, functional, and spatial information, amino acid conservation, physicochemical variation, residue mobility, and thermodynamic stability) indicates that this missense variant is not expected to disrupt APC protein function with a negative predictive value of 95%. In summary, the available evidence is currently insufficient to determine the role of this variant in disease. Therefore, it has been classified as a Variant of Uncertain Significance.

Ambry Genetics
Classification: Uncertain significance for Hereditary cancer-predisposing syndrome. Last evaluated: 2023-04-18. Review status: criteria provided, single submitter. Criteria: Ambry Variant Classification Scheme 2023. Collection method: clinical testing. Allele origin: germline.
Comment: The p.R2126G variant (also known as c.6376A>G), located in coding exon 15 of the APC gene, results from an A to G substitution at nucleotide position 6376. The arginine at codon 2126 is replaced by glycine, an amino acid with dissimilar properties. This amino acid position is highly conserved in available vertebrate species. In addition, in silico predictors for this gene do not accurately predict pathogenicity. Since supporting evidence is limited at this time, the clinical significance of this alteration remains unclear.

NM_000038.6(APC):c.6376A>G (p.Arg2126Gly)

Gene: APC (APC regulator of Wnt signaling pathway; plus strand). Cytogenetic location: 5q22.2.
Variant type: single nucleotide variant.
Coding change: c.6376A>G on transcript NM_000038.6 (MANE Select); coding-DNA position 6376, A replaced by G.
Protein change: p.Arg2126Gly; replaces arginine 2126 with glycine.
Molecular consequence: missense variant.
Genome position (GRCh38, 1-based): chr5:112,841,970, A>G. VCF-style: chr5-112841970-A-G. GRCh37 (hg19) VCF-style: chr5-112177667-A-G.
Other names: c.6376A>G, p.Arg2126Gly (NM_001127510.3, NM_001354895.2); c.6322A>G, p.Arg2108Gly (NM_001127511.3); c.6430A>G, p.Arg2144Gly (NM_001354896.2); c.6406A>G, p.Arg2136Gly (NM_001354897.2); c.6301A>G, p.Arg2101Gly (NM_001354898.2); c.6292A>G, p.Arg2098Gly (NM_001354899.2); c.6253A>G, p.Arg2085Gly (NM_001354900.2); c.6199A>G, p.Arg2067Gly (NM_001354901.2); and 5 more; short protein forms R2025G, R1843G, R1966G, R2000G, R2035G, R2067G, R2108G, R2136G.
Identifiers: ClinVar variation 826362 (VCV000826362.9), dbSNP rs1272242159, ClinGen allele CA16035291.